The following is an entry in ClinVar:

ClinVar aggregate classification (germline): Pathogenic. Review status: reviewed by expert panel (3 of 4 stars). 4 submissions from 4 submitters: Pathogenic (1). 3 of the submissions do not count toward it. Last evaluated 2016-10-18.

Conditions:
Pancreatic cancer, susceptibility to, 2. Identifiers: Orphanet 1333, MedGen C3150546, MONDO:0013235, OMIM 613347.
Glioma susceptibility 3 (GLM3). Also called: Glioblastoma 3. Identifiers: Orphanet 182067, Orphanet 360, MedGen C2751641, MONDO:0013093, OMIM 613029.
Familial prostate cancer. Also called: Hereditary Prostate Cancer. Identifiers: MedGen C2931456, MONDO:0700275, OMIM 176807.
Breast-ovarian cancer, familial, susceptibility to, 2 (BROVCA2). Also called: BRCA2 Hereditary Breast and Ovarian Cancer. Identifiers: Orphanet 145, MedGen C2675520, MONDO:0012933, OMIM 612555. Disease mechanism: loss of function.
Fanconi anemia complementation group D1. Also called: BRCA2-Related Fanconi Anemia. Identifiers: Orphanet 319462, MedGen C1838457, MONDO:0011584, OMIM 605724.
Medulloblastoma (MDB). Also called: Medulloblastoma, somatic; MEDULLOBLASTOMA PREDISPOSITION SYNDROME. Identifiers: Orphanet 616, MedGen C0025149, MeSH D008527, MONDO:0007959, OMIM 155255, HP:0002885.
Wilms tumor 1 (WT1). Also called: Wilms tumor, somatic. Identifiers: Orphanet 654, MedGen CN033288, MONDO:0008679, OMIM 194070.
Familial cancer of breast. Also called: BREAST CANCER, FAMILIAL; hereditary breast carcinoma; Hereditary breast cancer. Identifiers: Orphanet 227535, MedGen C0346153, MONDO:0016419, OMIM 114480. Disease mechanism: loss of function.
Hereditary breast ovarian cancer syndrome. Also called: Breast and ovarian cancer; Hereditary breast and ovarian cancer; Hereditary breast and ovarian cancer syndrome (HBOC); Hereditary breast and ovarian cancer syndrome; BRCA1- and BRCA2-Associated Hereditary Breast and Ovarian Cancer; Hereditary breast and/or ovarian cancer syndrome. Identifiers: Orphanet 145, MedGen C0677776, MeSH D061325, MONDO:0003582. Disease mechanism: loss of function.

Submissions (4):

Evidence-based Network for the Interpretation of Germline Mutant Alleles (ENIGMA)
Classification: Pathogenic for Breast-ovarian cancer, familial, susceptibility to, 2. Last evaluated: 2016-10-18. Review status: reviewed by expert panel. Criteria: ENIGMA BRCA1/2 Classification Criteria (2015). Collection method: curation. Allele origin: germline.
Comment: Variant allele predicted to encode a truncated non-functional protein.

Labcorp Genetics (formerly Invitae), Labcorp
Classification: Pathogenic for Hereditary breast ovarian cancer syndrome. Last evaluated: 2024-04-10. Review status: criteria provided, single submitter. Criteria: Invitae Variant Classification Sherloc (09022015). Collection method: clinical testing. Allele origin: germline. Not counted in ClinVar's aggregate classification.
Comment: This sequence change creates a premature translational stop signal (p.Leu1930Tyrfs*33) in the BRCA2 gene. It is expected to result in an absent or disrupted protein product. Loss-of-function variants in BRCA2 are known to be pathogenic (PMID: 20104584). This variant is not present in population databases (gnomAD no frequency). This premature translational stop signal has been observed in individual(s) with breast and/or ovarian cancer (PMID: 18489799, 28724667, 29752822). ClinVar contains an entry for this variant (Variation ID: 51938). For these reasons, this variant has been classified as Pathogenic.

Consortium of Investigators of Modifiers of BRCA1/2 (CIMBA), c/o University of Cambridge
Classification: Pathogenic for Breast-ovarian cancer, familial, susceptibility to, 2. Last evaluated: 2015-10-02. Review status: criteria provided, single submitter. Criteria: CIMBA Mutation Classification guidelines May 2016. Collection method: clinical testing. Allele origin: germline. Not counted in ClinVar's aggregate classification.

Juno Genomics, Hangzhou Juno Genomics, Inc
Classification: Pathogenic for Familial cancer of breast; Breast-ovarian cancer, familial, susceptibility to, 2; Glioma susceptibility 3; Medulloblastoma; Pancreatic cancer, susceptibility to, 2; Familial prostate cancer; Fanconi anemia complementation group D1; Wilms tumor 1. Review status: criteria provided, single submitter. Criteria: ACMG Guidelines, 2015. Collection method: clinical testing. Allele origin: germline. Not counted in ClinVar's aggregate classification.
Comment: Absent from controls (or at extremely low frequency if recessive) in Genome Aggregation Database.;Null variant in a gene where loss of function (LOF) is a known mechanism of disease.;The prevalence of the variant in affected individuals is significantly increased compared to the prevalence in controls.

Literature cited by the submitters: PubMed 20104584 (cited by Labcorp Genetics (formerly Invitae), Labcorp); PubMed 18489799 (cited by Labcorp Genetics (formerly Invitae), Labcorp); PubMed 28724667 (cited by Labcorp Genetics (formerly Invitae), Labcorp); PubMed 29752822 (cited by Labcorp Genetics (formerly Invitae), Labcorp).

NM_000059.4(BRCA2):c.5789del (p.Leu1930fs)

Gene: BRCA2 (BRCA2 DNA repair associated; plus strand). Cytogenetic location: 13q13.1.
Variant type: Deletion.
Coding change: c.5789del on transcript NM_000059.4 (MANE Select); coding-DNA position 5789, one base deleted (T; older notation c.5789delT).
Protein change: p.Leu1930fs; shifts the reading frame from leucine 1930.
Molecular consequence: frameshift variant.
Genome position (GRCh38, 1-based): chr13:32,340,144, T deleted; the last of 4 consecutive T bases (chr13:32,340,141-32,340,144); deleting any one gives the same sequence. VCF-style (leftmost placement, unchanged base first): chr13-32340140-AT-A. GRCh37 (hg19) VCF-style: chr13-32914277-AT-A.
Other names: 6017delT; c.5789delT (NM_000059.3).
Identifiers: ClinVar variation 51938 (VCV000051938.17), dbSNP rs397507806, ClinGen allele CA023235.